The following is an entry in ClinVar:

ClinVar aggregate classification (germline): Uncertain significance (1 of 4 stars; one submission).

Conditions:
PKD1-related disorder. Also called: PKD1-related condition.

gnomAD v4.1: 28 of 1,566,282 alleles (0.0018%); highest among the groups gnomAD compares: East Asian, 0.025%; no homozygotes.

Submission:

PreventionGenetics, part of Exact Sciences
Classification: Uncertain significance for PKD1-related condition. Last evaluated: 2026-04-15. Review status: criteria provided, single submitter. Criteria: ACMG Guidelines, 2015. Collection method: clinical testing. Allele origin: germline.
Comment: The PKD1 c.9343C>T variant is predicted to result in the amino acid substitution p.Arg3115Trp. This variant was reported in an individual with Kidney disease (Supplemental Table 1, Chen et al. 2023. PubMed ID: 37248651). This variant is reported in 0.011% of alleles in individuals of East Asian descent in gnomAD. At this time, the clinical significance of this variant is uncertain due to the absence of conclusive functional and genetic evidence.

NM_001009944.3(PKD1):c.9343C>T (p.Arg3115Trp)

Gene: PKD1 (polycystin 1, transient receptor potential channel interacting; minus strand). Cytogenetic location: 16p13.3.
Variant type: single nucleotide variant.
Coding change: c.9343C>T on transcript NM_001009944.3 (MANE Select); coding-DNA position 9343, C replaced by T.
Protein change: p.Arg3115Trp; replaces arginine 3115 with tryptophan.
Molecular consequence: missense variant.
Genome position (GRCh38, 1-based): chr16:2,102,115, G>A on the plus strand (C>T on the coding strand, the complement: PKD1 is on the minus strand). VCF-style: chr16-2102115-G-A. GRCh37 (hg19) VCF-style: chr16-2152116-G-A.
Other names: c.9343C>T, p.Arg3115Trp (NM_000296.4); short protein forms R3115W.
Identifiers: ClinVar variation 4979632 (VCV004979632.1).